The following is an entry in ClinVar:

NM_000051.4(ATM):c.4236+15_4236+17del

Gene: ATM (ATM serine/threonine kinase; plus strand). Cytogenetic location: 11q22.3.
Variant type: Microsatellite.
Coding change: c.4236+15_4236+17del on transcript NM_000051.4 (MANE Select); bases 15 to 17 of the intron after coding-DNA position 4236, 3 bases deleted (TGA; older notation c.4236+15_4236+17delTGA).
Molecular consequence: intron variant.
Genome position (GRCh38, 1-based): chr11:108,289,118-108,289,120, TGA deleted; deleting any 3 consecutive bases within chr11:108,289,114-108,289,120 gives the same sequence; the c. name uses the placement nearest the transcript's 3' end. VCF-style (leftmost placement, unchanged base first): chr11-108289113-CATG-C. GRCh37 (hg19) VCF-style: chr11-108159840-CATG-C.
Other names: c.4236+15_4236+17delTGA (NM_000051.3, NM_000051.4); c.4236+15_4236+17del (NM_001351834.2).
Identifiers: ClinVar variation 420208 (VCV000420208.5), dbSNP rs1064794349, ClinGen allele CA16619176.
Genomic context (GRCh38, chr11:108,289,113, plus strand): 5'-TGTCATAAAACCAAGTTAAAAAGCATTTTAGAAATTCTTTCCAAAAGCCCTGTAAGTATA[CATG>C]ATGAGTTTAATAATAGAACATTCCTTCTTTTTTAGCTAAAAAAACTTTGTAAATACATCT-3'

ClinVar aggregate classification (germline): Likely benign. Review status: criteria provided, multiple submitters, no conflicts (2 of 4 stars). 3 submissions from 3 submitters: Likely benign (3). Last evaluated 2025-03-04.

Conditions:
Ataxia-telangiectasia syndrome (AT). Also called: Ataxia-telangiectasia, complementation group D; Cerebello-oculocutaneous telangiectasia; Immunodeficiency with ataxia telangiectasia; ATAXIA-TELANGIECTASIA, COMPLEMENTATION GROUP A; ATAXIA-TELANGIECTASIA, FRESNO VARIANT; LOUIS-BAR SYNDROME. Identifiers: Orphanet 100, MedGen C0004135, MONDO:0008840, OMIM 208900.

Submissions (3):

Center for Genomic Medicine, Rigshospitalet, Copenhagen University Hospital
Classification: Likely benign. Last evaluated: 2025-03-04. Review status: criteria provided, single submitter. Criteria: ACMG Guidelines, 2015. Collection method: clinical testing. Allele origin: germline.
Comment: Classification criteria: BP4, BP7

Labcorp Genetics (formerly Invitae), Labcorp
Classification: Likely benign for Ataxia-telangiectasia syndrome. Last evaluated: 2023-05-01. Review status: criteria provided, single submitter. Criteria: Invitae Variant Classification Sherloc (09022015). Collection method: clinical testing. Allele origin: germline.

GeneDx
Classification: Likely benign. Last evaluated: 2015-11-24. Review status: criteria provided, single submitter. Criteria: GeneDx Variant Classification (06012015). Collection method: clinical testing. Allele origin: germline. Affected: yes.
Comment: This variant is considered likely benign or benign based on one or more of the following criteria: it is a conservative change, it occurs at a poorly conserved position in the protein, it is predicted to be benign by multiple in silico algorithms, and/or has population frequency not consistent with disease.